The following is an entry in ClinVar:

ClinVar aggregate classification (germline): Uncertain significance (1 of 4 stars; one submission).

Conditions:
Hereditary spastic paraplegia 11. Also called: Spastic Paraplegia 11; SPASTIC PARAPLEGIA, AUTOSOMAL RECESSIVE, COMPLICATED, WITH THIN CORPUS CALLOSUM; SPASTIC PARAPLEGIA, AUTOSOMAL RECESSIVE, WITH MENTAL IMPAIRMENT AND THIN CORPUS CALLOSUM; Nakamura Osame syndrome; Autosomal recessive hereditary spastic paraplegia, mental impairment, and thin corpus callosum; Spastic paraplegia, mental retardation and thin corpus callosum. Identifiers: Orphanet 2822, MedGen C1858479, MONDO:0011445, OMIM 604360.

Submission:

Labcorp Genetics (formerly Invitae), Labcorp
Classification: Uncertain significance for Hereditary spastic paraplegia 11. Last evaluated: 2020-07-13. Review status: criteria provided, single submitter. Criteria: Invitae Variant Classification Sherloc (09022015). Collection method: clinical testing. Allele origin: germline.
Comment: In summary, the available evidence is currently insufficient to determine the role of this variant in disease. Therefore, it has been classified as a Variant of Uncertain Significance. Algorithms developed to predict the effect of missense changes on protein structure and function output the following: SIFT: "Tolerated"; PolyPhen-2: "Possibly Damaging"; Align-GVGD: "Class C0". The aspartic acid amino acid residue is found in multiple mammalian species, suggesting that this missense change does not adversely affect protein function. These predictions have not been confirmed by published functional studies and their clinical significance is uncertain. This variant has not been reported in the literature in individuals with SPG11-related conditions. This variant is not present in population databases (ExAC no frequency). This sequence change replaces glutamic acid with aspartic acid at codon 1736 of the SPG11 protein (p.Glu1736Asp). The glutamic acid residue is moderately conserved and there is a small physicochemical difference between glutamic acid and aspartic acid.

NM_025137.4(SPG11):c.5208G>T (p.Glu1736Asp)

Gene: SPG11 (SPG11 vesicle trafficking associated, spatacsin; minus strand). Cytogenetic location: 15q21.1.
Variant type: single nucleotide variant.
Coding change: c.5208G>T on transcript NM_025137.4 (MANE Select); coding-DNA position 5208, G replaced by T.
Protein change: p.Glu1736Asp; replaces glutamic acid 1736 with aspartic acid.
Molecular consequence: missense variant.
Genome position (GRCh38, 1-based): chr15:44,584,472, C>A on the plus strand (G>T on the coding strand, the complement: SPG11 is on the minus strand). VCF-style: chr15-44584472-C-A. GRCh37 (hg19) VCF-style: chr15-44876670-C-A.
Other names: c.5208G>T, p.Glu1736Asp (NM_001160227.2); short protein forms E1736D.
Identifiers: ClinVar variation 1003827 (VCV001003827.8), dbSNP rs2082717835, ClinGen allele CA392223050.